The following is an entry in ClinVar:

NM_001083961.2(WDR62):c.3462+1G>A

Gene: WDR62 (WD repeat domain 62; plus strand). Cytogenetic location: 19q13.12.
Variant type: single nucleotide variant.
Coding change: c.3462+1G>A on transcript NM_001083961.2 (MANE Select); the canonical splice donor site of the intron after coding-DNA position 3462, G replaced by A.
Molecular consequence: splice donor variant.
Genome position (GRCh38, 1-based): chr19:36,103,075, G>A. VCF-style: chr19-36103075-G-A. GRCh37 (hg19) VCF-style: chr19-36593977-G-A.
Other names: c.3447+1G>A (NM_173636.5, NM_001411145.1); c.3213+1G>A (NM_001411146.1); c.3111+1G>A (NM_001411147.1).
Identifiers: ClinVar variation 1327866 (VCV001327866.8), dbSNP rs369923535, ClinGen allele CA9396284.

ClinVar aggregate classification (germline): Pathogenic/Likely pathogenic. Review status: criteria provided, multiple submitters, no conflicts (2 of 4 stars). 4 submissions from 4 submitters: Pathogenic (1); Likely pathogenic (3). Last evaluated 2024-10-05.

Conditions:
Microcephaly 2, primary, autosomal recessive, with or without cortical malformations. Also called: WDR62 Primary Microcephaly; MICROCEPHALY 2, PRIMARY, AUTOSOMAL RECESSIVE, WITH CORTICAL MALFORMATIONS. Identifiers: Orphanet 2512, MedGen C1858535, MONDO:0011435, OMIM 604317.

Allele frequency attached by ClinVar (database versions not stated): gnomAD exomes 0.00001; ExAC 0.00002; gnomAD 0.00003; ESP Exome Variant Server 0.00008.

Submissions (4):

Labcorp Genetics (formerly Invitae), Labcorp
Classification: Likely pathogenic. Last evaluated: 2024-10-05. Review status: criteria provided, single submitter. Criteria: Invitae Variant Classification Sherloc (09022015). Collection method: clinical testing. Allele origin: germline.
Comment: This sequence change affects a donor splice site in intron 28 of the WDR62 gene. It is expected to disrupt RNA splicing. Variants that disrupt the donor or acceptor splice site typically lead to a loss of protein function (PMID: 16199547), and loss-of-function variants in WDR62 are known to be pathogenic (PMID: 20729831). This variant is present in population databases (rs369923535, gnomAD 0.004%). This variant has not been reported in the literature in individuals affected with WDR62-related conditions. ClinVar contains an entry for this variant (Variation ID: 1327866). Algorithms developed to predict the effect of sequence changes on RNA splicing suggest that this variant may disrupt the consensus splice site. In summary, the currently available evidence indicates that the variant is pathogenic, but additional data are needed to prove that conclusively. Therefore, this variant has been classified as Likely Pathogenic.

GeneDx
Classification: Pathogenic. Last evaluated: 2023-12-20. Review status: criteria provided, single submitter. Criteria: GeneDx Variant Classification Process June 2021. Collection method: clinical testing. Allele origin: germline. Affected: yes.
Comment: Canonical splice site variant predicted to result in a null allele in a gene for which loss of function is a known mechanism of disease; Not observed at significant frequency in large population cohorts (gnomAD); Has not been previously published as pathogenic or benign to our knowledge

Juno Genomics, Hangzhou Juno Genomics, Inc
Classification: Likely pathogenic for Microcephaly 2, primary, autosomal recessive, with or without cortical malformations. Review status: criteria provided, single submitter. Criteria: ACMG Guidelines, 2015. Collection method: clinical testing. Allele origin: germline.
Comment: Null variant in a gene where loss of function (LOF) is a known mechanism of disease.;Absent from controls (or at extremely low frequency if recessive) in Genome Aggregation Database.

Molecular Genetics Department, Kulakov National Medical Research Center for Obstetrics, Gynecology and Perinatology
Classification: Likely pathogenic for Microcephaly 2, primary, autosomal recessive, with or without cortical malformations. Review status: criteria provided, single submitter. Criteria: ACMG Guidelines, 2015. Collection method: clinical testing. Allele origin: germline. Affected: yes. Observed: 1 variant allele.
Comment: A previously undescribed heterozygous nucleotide variant creates an alteration of the canonical splice site in the WDR62 gene. Homozygous and compound heterozygous variants are reported in patients with microcephaly 2, primary, autosomal recessive, with or without cortical malformations, 604317. The variant frequency in population database gnomAD is 0.0012%. The variant was found with the variant WDR62 NM_001083961.2:c.2171_2172insTGGT (trans was not confirmed). In summary, the currently available evidence indicates that the variant is pathogenic, but additional data are needed to prove that conclusively. Therefore, this variant has been classified as likely pathogenic.

Literature cited by the submitters: PubMed 16199547 (cited by Labcorp Genetics (formerly Invitae), Labcorp); PubMed 20729831 (cited by Labcorp Genetics (formerly Invitae), Labcorp).